The following is an entry in ClinVar:

ClinVar aggregate classification (germline): Uncertain significance. Review status: criteria provided, multiple submitters, no conflicts (2 of 4 stars). 2 submissions from 2 submitters: Uncertain significance (2). Last evaluated 2024-08-17.

Conditions:
Inborn genetic diseases. Identifiers: MedGen C0950123, MeSH D030342.

Allele frequency attached by ClinVar (database versions not stated): TOPMed 0.00003; ExAC 0.00005; 1000 Genomes Project 30x 0.00016; 1000 Genomes Project 0.00020.
gnomAD v4.1: 63 of 1,611,982 alleles (0.0039%); highest among the groups gnomAD compares: East Asian, 0.02%; no homozygotes.

Submissions (2):

Labcorp Genetics (formerly Invitae), Labcorp
Classification: Uncertain significance. Last evaluated: 2024-08-17. Review status: criteria provided, single submitter. Criteria: Invitae Variant Classification Sherloc (09022015). Collection method: clinical testing. Allele origin: germline.
Comment: This sequence change replaces proline, which is neutral and non-polar, with leucine, which is neutral and non-polar, at codon 80 of the FLI1 protein (p.Pro80Leu). This variant is present in population databases (rs574828243, gnomAD 0.04%), and has an allele count higher than expected for a pathogenic variant. This variant has not been reported in the literature in individuals affected with FLI1-related conditions. Invitae Evidence Modeling of protein sequence and biophysical properties (such as structural, functional, and spatial information, amino acid conservation, physicochemical variation, residue mobility, and thermodynamic stability) indicates that this missense variant is not expected to disrupt FLI1 protein function with a negative predictive value of 80%. In summary, the available evidence is currently insufficient to determine the role of this variant in disease. Therefore, it has been classified as a Variant of Uncertain Significance.

Ambry Genetics
Classification: Uncertain significance for Inborn genetic diseases. Last evaluated: 2023-12-27. Review status: criteria provided, single submitter. Criteria: Ambry Variant Classification Scheme 2023. Collection method: clinical testing. Allele origin: germline.

NM_002017.5(FLI1):c.239C>T (p.Pro80Leu)

Gene: FLI1 (Fli-1 proto-oncogene, ETS transcription factor; plus strand). Cytogenetic location: 11q24.3.
Variant type: single nucleotide variant.
Coding change: c.239C>T on transcript NM_002017.5 (MANE Select); coding-DNA position 239, C replaced by T.
Protein change: p.Pro80Leu; replaces proline 80 with leucine.
Molecular consequence: missense variant. On other transcripts: intron variant (1).
Genome position (GRCh38, 1-based): chr11:128,768,126, C>T. VCF-style: chr11-128768126-C-T. GRCh37 (hg19) VCF-style: chr11-128638021-C-T.
Other names: c.140C>T, p.Pro47Leu (NM_001167681.3); c.41C>T, p.Pro14Leu (NM_001271010.2); c.10+9800C>T (NM_001271012.2); short protein forms P80L, P14L, P47L.
Identifiers: ClinVar variation 3095636 (VCV003095636.3), dbSNP rs574828243, ClinGen allele CA6357012.